The following is an entry in ClinVar:

ClinVar aggregate classification (germline): Uncertain significance (1 of 4 stars; one submission).

Conditions:
Bardet-Biedl syndrome (BBS). Identifiers: Orphanet 110, MedGen C0752166, MONDO:0015229.

Allele frequency attached by ClinVar (database versions not stated): gnomAD 0.00001 and 0.00002; gnomAD exomes 0.00001 and 0.00002; ExAC 0.00003.
gnomAD v4.1: 16 of 1,613,810 alleles (0.00099%); highest among the groups gnomAD compares: Non-Finnish European, 0.00093%; no homozygotes.

Submission:

Labcorp Genetics (formerly Invitae), Labcorp
Classification: Uncertain significance for Bardet-Biedl syndrome. Last evaluated: 2024-03-27. Review status: criteria provided, single submitter. Criteria: Invitae Variant Classification Sherloc (09022015). Collection method: clinical testing. Allele origin: germline.
Comment: This sequence change replaces phenylalanine, which is neutral and non-polar, with leucine, which is neutral and non-polar, at codon 238 of the TTC8 protein (p.Phe238Leu). This variant is present in population databases (no rsID available, gnomAD 0.008%). This variant has not been reported in the literature in individuals affected with TTC8-related conditions. ClinVar contains an entry for this variant (Variation ID: 1399165). Advanced modeling of protein sequence and biophysical properties (such as structural, functional, and spatial information, amino acid conservation, physicochemical variation, residue mobility, and thermodynamic stability) performed at Invitae indicates that this missense variant is not expected to disrupt TTC8 protein function with a negative predictive value of 80%. In summary, the available evidence is currently insufficient to determine the role of this variant in disease. Therefore, it has been classified as a Variant of Uncertain Significance.

NM_144596.4(TTC8):c.744T>G (p.Phe248Leu)

Gene: TTC8 (tetratricopeptide repeat domain 8; plus strand). Cytogenetic location: 14q31.3.
Variant type: single nucleotide variant.
Coding change: c.744T>G on transcript NM_144596.4 (MANE Select); coding-DNA position 744, T replaced by G.
Protein change: p.Phe248Leu; replaces phenylalanine 248 with leucine.
Molecular consequence: missense variant. On other transcripts: non-coding transcript variant (1).
Genome position (GRCh38, 1-based): chr14:88,857,223, T>G. VCF-style: chr14-88857223-T-G. GRCh37 (hg19) VCF-style: chr14-89323567-T-G.
Other names: c.792T>G, p.Phe264Leu (NM_001288781.1); c.150T>G, p.Phe50Leu (NM_001288782.1); c.27T>G, p.Phe9Leu (NM_001288783.1); c.714T>G, p.Phe238Leu (NM_001366535.2, NM_198309.3); c.624T>G, p.Phe208Leu (NM_001366536.2, NM_198310.3); short protein forms F238L, F50L, F248L, F9L, F208L, F264L.
Identifiers: ClinVar variation 1399165 (VCV001399165.8), dbSNP rs1411331497, ClinGen allele CA7302586.